The following is an entry in ClinVar:

NM_000092.5(COL4A4):c.2243G>C (p.Gly748Ala)

Gene: COL4A4 (collagen type IV alpha 4 chain; minus strand). Cytogenetic location: 2q36.3.
Variant type: single nucleotide variant.
Coding change: c.2243G>C on transcript NM_000092.5 (MANE Select); coding-DNA position 2243, G replaced by C.
Protein change: p.Gly748Ala; replaces glycine 748 with alanine.
Molecular consequence: missense variant.
Genome position (GRCh38, 1-based): chr2:227,059,545, C>G on the plus strand (G>C on the coding strand, the complement: COL4A4 is on the minus strand). VCF-style: chr2-227059545-C-G. GRCh37 (hg19) VCF-style: chr2-227924261-C-G.
Other names: short protein forms G748A.
Identifiers: ClinVar variation 3585850 (VCV003585850.2).

ClinVar aggregate classification (germline): Likely pathogenic. Review status: criteria provided, multiple submitters, no conflicts (2 of 4 stars). 2 submissions from 2 submitters: Likely pathogenic (2). Last evaluated 2025-09-04.

Conditions:
Alport syndrome. Also called: Hemorrhagic familial nephritis; Hemorrhagic hereditary nephritis; Congenital hereditary hematuria. Identifiers: Orphanet 63, MedGen C1567741, MONDO:0018965.
Autosomal recessive Alport syndrome (ATS2). Also called: Alport syndrome type 2; COL4A3-Related Nephropathy; COL4A4 Alport Syndrome and Thin Basement Membrane Nephropathy; ALPORT SYNDROME 2, AUTOSOMAL RECESSIVE. Identifiers: Orphanet 63, Orphanet 88919, MedGen C4746745, MONDO:0008762, OMIM 203780.
Hematuria, benign familial, 1 (BFH1). Also called: THIN MEMBRANE NEPHROPATHY. Identifiers: MedGen CN376803, MONDO:0007709, OMIM 141200.

gnomAD v4.1: 2 of 1,614,026 alleles (0.00012%); highest among the groups gnomAD compares: Non-Finnish European, 0.00017%; no homozygotes.

Submissions (2):

Natera, Inc.
Classification: Likely pathogenic for Alport syndrome. Last evaluated: 2025-09-04. Review status: criteria provided, single submitter. Criteria: Natera Variant Classification Schema (03/2026). Collection method: clinical testing. Allele origin: germline.
Comment: The c.2243G>C variant in COL4A4 is a missense variant predicted to cause substitution of glycine to alanine at amino acid 748. This variant is rare in the general population with a frequency below the threshold expected for the associated phenotype(s). This variant is located in a functionally critical region of the protein. A different variant at the same position has been determined to be Pathogenic or Likely Pathogenic. Computational prediction algorithms indicate this variant is likely to affect gene or protein function. Given the available evidence, this variant is classified as Likely Pathogenic.

Fulgent Genetics
Classification: Likely pathogenic for Hematuria, benign familial, 1; Autosomal recessive Alport syndrome. Last evaluated: 2024-05-07. Review status: criteria provided, single submitter. Criteria: ACMG Guidelines, 2015. Collection method: clinical testing. Allele origin: germline.